The following is an entry in ClinVar:

ClinVar aggregate classification (germline): Uncertain significance (1 of 4 stars; one submission).

gnomAD v4.1: 4 of 1,613,530 alleles (0.00025%); highest among the groups gnomAD compares: Admixed American, 0.0017%; no homozygotes.

Submission:

Labcorp Genetics (formerly Invitae), Labcorp
Classification: Uncertain significance. Last evaluated: 2025-01-31. Review status: criteria provided, single submitter. Criteria: Invitae Variant Classification Sherloc (09022015). Collection method: clinical testing. Allele origin: germline.
Comment: This sequence change replaces lysine, which is basic and polar, with glutamine, which is neutral and polar, at codon 429 of the CYP7A1 protein (p.Lys429Gln). This variant is present in population databases (rs376754937, gnomAD 0.002%). This variant has not been reported in the literature in individuals affected with CYP7A1-related conditions. Invitae Evidence Modeling of protein sequence and biophysical properties (such as structural, functional, and spatial information, amino acid conservation, physicochemical variation, residue mobility, and thermodynamic stability) indicates that this missense variant is not expected to disrupt CYP7A1 protein function with a negative predictive value of 80%. In summary, the available evidence is currently insufficient to determine the role of this variant in disease. Therefore, it has been classified as a Variant of Uncertain Significance.

NM_000780.4(CYP7A1):c.1285A>C (p.Lys429Gln)

Gene: CYP7A1 (cytochrome P450 family 7 subfamily A member 1; minus strand). Cytogenetic location: 8q12.1.
Variant type: single nucleotide variant.
Coding change: c.1285A>C on transcript NM_000780.4 (MANE Select); coding-DNA position 1285, A replaced by C.
Protein change: p.Lys429Gln; replaces lysine 429 with glutamine.
Molecular consequence: missense variant.
Genome position (GRCh38, 1-based): chr8:58,491,705, T>G on the plus strand (A>C on the coding strand, the complement: CYP7A1 is on the minus strand). VCF-style: chr8-58491705-T-G. GRCh37 (hg19) VCF-style: chr8-59404264-T-G.
Other names: short protein forms K429Q.
Identifiers: ClinVar variation 4704097 (VCV004704097.1).